The following is an entry in ClinVar:

NM_000719.7(CACNA1C):c.4565G>A (p.Arg1522Gln)

Gene: CACNA1C (calcium voltage-gated channel subunit alpha1 C; plus strand). Cytogenetic location: 12p13.33.
Variant type: single nucleotide variant.
Coding change: c.4565G>A on transcript NM_000719.7 (MANE Select); coding-DNA position 4565, G replaced by A.
Protein change: p.Arg1522Gln; replaces arginine 1522 with glutamine.
Molecular consequence: missense variant.
Genome position (GRCh38, 1-based): chr12:2,666,724, G>A. VCF-style: chr12-2666724-G-A. GRCh37 (hg19) VCF-style: chr12-2775890-G-A.
Other names: c.4709G>A, p.Arg1570Gln (NM_001129827.2, NM_199460.4); c.4631G>A, p.Arg1544Gln (NM_001129829.2); c.4565G>A, p.Arg1522Gln (NM_001129830.3, NM_001129833.2, NM_001129834.2 and 7 more transcripts); c.4649G>A, p.Arg1550Gln (NM_001129831.2); c.4625G>A, p.Arg1542Gln (NM_001129832.2); c.4616G>A, p.Arg1539Gln (NM_001129836.2); c.4532G>A, p.Arg1511Gln (NM_001129837.2, NM_001129838.2, NM_001129846.2 and 1 more transcripts); c.4526G>A, p.Arg1509Gln (NM_001129839.2); and 1 more; short protein forms R1570Q, R1522Q, R1542Q, R1544Q, R1539Q, R1511Q, R1519Q, R1550Q.
Identifiers: ClinVar variation 573693 (VCV000573693.10), dbSNP rs1420232852, ClinGen allele CA383376489.

ClinVar aggregate classification (germline): Uncertain significance. Review status: criteria provided, multiple submitters, no conflicts (2 of 4 stars). 2 submissions from 2 submitters: Uncertain significance (2). Last evaluated 2026-01-09.

Conditions:
Long QT syndrome (LQTS). Identifiers: MedGen C0023976, MeSH D008133, MONDO:0002442. Disease mechanism: loss of function. Inheritance: Various modes of inheritance.

Submissions (2):

GeneDx
Classification: Uncertain significance. Last evaluated: 2026-01-09. Review status: criteria provided, single submitter. Criteria: GeneDx Variant Classification Process June 2021. Collection method: clinical testing. Allele origin: germline. Affected: yes.
Comment: In silico analysis supports that this missense variant has a deleterious effect on protein structure/function; Not observed at significant frequency in large population cohorts (gnomAD); This variant is associated with the following publications: (PMID: 23849776)

Labcorp Genetics (formerly Invitae), Labcorp
Classification: Uncertain significance for Long QT syndrome. Last evaluated: 2024-05-18. Review status: criteria provided, single submitter. Criteria: Invitae Variant Classification Sherloc (09022015). Collection method: clinical testing. Allele origin: germline.
Comment: This sequence change replaces arginine, which is basic and polar, with glutamine, which is neutral and polar, at codon 1522 of the CACNA1C protein (p.Arg1522Gln). This variant is not present in population databases (gnomAD no frequency). This variant has not been reported in the literature in individuals affected with CACNA1C-related conditions. ClinVar contains an entry for this variant (Variation ID: 573693). Advanced modeling of protein sequence and biophysical properties (such as structural, functional, and spatial information, amino acid conservation, physicochemical variation, residue mobility, and thermodynamic stability) performed at Invitae indicates that this missense variant is expected to disrupt CACNA1C protein function with a positive predictive value of 95%. In summary, the available evidence is currently insufficient to determine the role of this variant in disease. Therefore, it has been classified as a Variant of Uncertain Significance.